The following is an entry in ClinVar:

ClinVar aggregate classification (germline): Pathogenic (1 of 4 stars; one submission).

Submission:

GeneDx
Classification: Pathogenic. Last evaluated: 2024-04-19. Review status: criteria provided, single submitter. Criteria: GeneDx Variant Classification Process June 2021. Collection method: clinical testing. Allele origin: germline. Affected: yes.
Comment: Nonsense variant predicted to result in protein truncation or nonsense mediated decay in a gene for which loss of function is a known mechanism of disease; Not observed at significant frequency in large population cohorts (gnomAD); This variant is associated with the following publications: (PMID: 33763417)

NM_020738.4(KIDINS220):c.3934G>T (p.Glu1312Ter)

Gene: KIDINS220 (kinase D interacting substrate 220; minus strand). Cytogenetic location: 2p25.1.
Variant type: single nucleotide variant.
Coding change: c.3934G>T on transcript NM_020738.4 (MANE Select); coding-DNA position 3934, G replaced by T.
Protein change: p.Glu1312Ter; replaces glutamic acid 1312 with a stop codon.
Molecular consequence: nonsense. On other transcripts: non-coding transcript variant (2).
Genome position (GRCh38, 1-based): chr2:8,733,563, C>A on the plus strand (G>T on the coding strand, the complement: KIDINS220 is on the minus strand). VCF-style: chr2-8733563-C-A. GRCh37 (hg19) VCF-style: chr2-8873693-C-A.
Other names: c.3937G>T, p.Glu1313Ter (NM_001348729.2); c.3880G>T, p.Glu1294Ter (NM_001348731.2); c.3877G>T, p.Glu1293Ter (NM_001348732.2, NM_001348738.2); c.3766G>T, p.Glu1256Ter (NM_001348734.2, NM_001348739.2, NM_001348740.2); c.3763G>T, p.Glu1255Ter (NM_001348735.2, NM_001348741.2, NM_001348742.2 and 1 more transcripts); c.3637G>T, p.Glu1213Ter (NM_001348736.2); short protein forms E1213*, E1255*, E1256*, E1293*, E1294*, E1312*, E1313*.
Identifiers: ClinVar variation 3365203 (VCV003365203.1).